The following is an entry in ClinVar:

ClinVar aggregate classification (germline): Conflicting classifications of pathogenicity. Review status: criteria provided, conflicting classifications (1 of 4 stars). 5 submissions from 5 submitters: Uncertain significance (1); Likely benign (4). Last evaluated 2026-01-25.

Conditions:
Autosomal recessive nonsyndromic hearing loss 9. Also called: NEUROSENSORY NONSYNDROMIC RECESSIVE DEAFNESS 9; OTOF-Related Hearing Loss; Deafness, autosomal recessive 9; AUDITORY NEUROPATHY, AUTOSOMAL RECESSIVE, 1, TEMPERATURE-SENSITIVE. Identifiers: Orphanet 90636, MedGen C1832828, MONDO:0010986, OMIM 601071.

Allele frequency attached by ClinVar (database versions not stated): ESP Exome Variant Server 0.00015; gnomAD 0.00016 and 0.00017; gnomAD exomes 0.00016 and 0.00023; TOPMed 0.00017; ExAC 0.00042.
gnomAD v4.1: 276 of 1,611,752 alleles (0.017%); highest among the groups gnomAD compares: Middle Eastern, 0.23%; no homozygotes.

Submissions (5):

Labcorp Genetics (formerly Invitae), Labcorp
Classification: Likely benign. Last evaluated: 2026-01-25. Review status: criteria provided, single submitter. Criteria: Invitae Variant Classification Sherloc (09022015). Collection method: clinical testing. Allele origin: germline.

Blueprint Genetics
Classification: Likely benign. Last evaluated: 2024-11-07. Review status: criteria provided, single submitter. Criteria: ACMG Guidelines, 2015. Collection method: clinical testing. Allele origin: germline.

Illumina Laboratory Services, Illumina
Classification: Uncertain significance for Autosomal recessive nonsyndromic hearing loss 9. Last evaluated: 2018-01-13. Review status: criteria provided, single submitter. Criteria: ICSL Variant Classification Criteria 13 December 2019. Collection method: clinical testing. Allele origin: germline.

Laboratory for Molecular Medicine, Mass General Brigham Personalized Medicine
Classification: Likely benign. Last evaluated: 2012-04-30. Review status: criteria provided, single submitter. Criteria: LMM Criteria. Collection method: clinical testing. Allele origin: germline. Observed: 4 variant alleles.
Comment: p.Tyr345Tyr in exon 11 of OTOF: This variant is not expected to have clinical si gnificance because it does not alter an amino acid residue, is not located withi n the splice consensus sequence, and has been identified in 33/55378 European ch romosomes by the Exome Aggregation Consortium (riant; dbSNP rs138885901).

PreventionGenetics, part of Exact Sciences
Classification: Likely benign. Review status: criteria provided, single submitter. Criteria: ACMG Guidelines, 2015. Collection method: clinical testing. Allele origin: germline.

NM_194248.3(OTOF):c.1035C>T (p.Tyr345=)

Gene: OTOF (otoferlin; minus strand). Cytogenetic location: 2p23.3.
Variant type: single nucleotide variant.
Coding change: c.1035C>T on transcript NM_194248.3 (MANE Select); coding-DNA position 1035, C replaced by T.
Protein change: p.Tyr345=; no amino-acid change (tyrosine 345 retained).
Molecular consequence: synonymous variant.
Genome position (GRCh38, 1-based): chr2:26,489,221, G>A on the plus strand (C>T on the coding strand, the complement: OTOF is on the minus strand). VCF-style: chr2-26489221-G-A. GRCh37 (hg19) VCF-style: chr2-26712089-G-A.
Other names: c.1035C>T, p.Tyr345= (NM_001287489.2).
Identifiers: ClinVar variation 178513 (VCV000178513.18), dbSNP rs138885901, ClinGen allele CA182468.